The following is an entry in ClinVar:

ClinVar aggregate classification (germline): Uncertain significance. Review status: criteria provided, multiple submitters, no conflicts (2 of 4 stars). 2 submissions from 2 submitters: Uncertain significance (2). Last evaluated 2026-06-10.

Conditions:
Hereditary cancer-predisposing syndrome. Also called: Hereditary Cancer Syndrome; Neoplastic Syndromes, Hereditary; Tumor predisposition; Hereditary neoplastic syndrome. Identifiers: Orphanet 140162, MedGen C0027672, MeSH D009386, MONDO:0015356.

Submissions (2):

Ambry Genetics
Classification: Uncertain significance for Hereditary cancer-predisposing syndrome. Last evaluated: 2026-06-10. Review status: criteria provided, single submitter. Criteria: Ambry Variant Classification Scheme 2023. Collection method: clinical testing. Allele origin: germline.
Comment: The p.A327V variant (also known as c.980C>T), located in coding exon 7 of the FH gene, results from a C to T substitution at nucleotide position 980. The alanine at codon 327 is replaced by valine, an amino acid with similar properties. This amino acid position is highly conserved in available vertebrate species. In addition, this alteration is predicted to be deleterious by in silico analysis. Based on the available evidence, the clinical significance of this variant remains unclear.

Labcorp Genetics (formerly Invitae), Labcorp
Classification: Uncertain significance. Last evaluated: 2024-04-14. Review status: criteria provided, single submitter. Criteria: Invitae Variant Classification Sherloc (09022015). Collection method: clinical testing. Allele origin: germline.
Comment: This sequence change replaces alanine, which is neutral and non-polar, with valine, which is neutral and non-polar, at codon 327 of the FH protein (p.Ala327Val). This variant is not present in population databases (gnomAD no frequency). This variant has not been reported in the literature in individuals affected with FH-related conditions. ClinVar contains an entry for this variant (Variation ID: 947064). Advanced modeling of protein sequence and biophysical properties (such as structural, functional, and spatial information, amino acid conservation, physicochemical variation, residue mobility, and thermodynamic stability) has been performed at Invitae for this missense variant, however the output from this modeling did not meet the statistical confidence thresholds required to predict the impact of this variant on FH protein function. In summary, the available evidence is currently insufficient to determine the role of this variant in disease. Therefore, it has been classified as a Variant of Uncertain Significance.

NM_000143.4(FH):c.980C>T (p.Ala327Val)

Gene: FH (fumarate hydratase; minus strand). Cytogenetic location: 1q43.
Variant type: single nucleotide variant.
Coding change: c.980C>T on transcript NM_000143.4 (MANE Select); coding-DNA position 980, C replaced by T.
Protein change: p.Ala327Val; replaces alanine 327 with valine.
Molecular consequence: missense variant.
Genome position (GRCh38, 1-based): chr1:241,504,170, G>A on the plus strand (C>T on the coding strand, the complement: FH is on the minus strand). VCF-style: chr1-241504170-G-A. GRCh37 (hg19) VCF-style: chr1-241667470-G-A.
Other names: short protein forms A327V.
Identifiers: ClinVar variation 947064 (VCV000947064.12), dbSNP rs1659854224, ClinGen allele CA345438289.